The following is an entry in ClinVar:

ClinVar aggregate classification (germline): Likely pathogenic (1 of 4 stars; one submission).

Submission:

GeneDx
Classification: Likely pathogenic. Last evaluated: 2017-07-10. Review status: criteria provided, single submitter. Criteria: GeneDx Variant Classification (06012015). Collection method: clinical testing. Allele origin: germline. Affected: yes.
Comment: A variant that is likely pathogenic has been identified in the SCN8A gene. The L1628W variant has not been published as a pathogenic variant, nor has it been reported as a benign variant to our knowledge. The L1628W variant is not observed in large population cohorts (Lek et al., 2016; 1000 Genomes Consortium et al., 2015; Exome Variant Server). The L1628W variant is a semi-conservative amino acid substitution, which may impact secondary protein structure as these residues differ in some properties. This substitution occurs at a conserved position predicted to be within the transmembrane segment S4 voltage sensor of the fourth homologous domain. In silico analysis predicts this variant is probably damaging to the protein structure/function. However, missense variants in nearby residues have not been reported in the Human Gene Mutation Database in association with SCN8A-related disorders (Stenson et al., 2014). Therefore, this variant is likely pathogenic; however, the possibility that it is benign cannot be excluded.

NM_001330260.2(SCN8A):c.4883T>G (p.Leu1628Trp)

Gene: SCN8A (sodium voltage-gated channel alpha subunit 8; plus strand). Cytogenetic location: 12q13.13.
Variant type: single nucleotide variant.
Coding change: c.4883T>G on transcript NM_001330260.2 (MANE Select); coding-DNA position 4883, T replaced by G.
Protein change: p.Leu1628Trp; replaces leucine 1628 with tryptophan.
Molecular consequence: missense variant.
Genome position (GRCh38, 1-based): chr12:51,806,369, T>G. VCF-style: chr12-51806369-T-G. GRCh37 (hg19) VCF-style: chr12-52200153-T-G.
Other names: c.4760T>G, p.Leu1587Trp (NM_001177984.3, NM_001369788.1); c.4883T>G, p.Leu1628Trp (NM_014191.4); short protein forms L1628W, L1587W.
Identifiers: ClinVar variation 450347 (VCV000450347.2), dbSNP rs1555230928, ClinGen allele CA384880436.